The following is an entry in ClinVar:

NM_173630.4(RTTN):c.2747C>T (p.Ser916Leu)

Gene: RTTN (rotatin; minus strand). Cytogenetic location: 18q22.2.
Variant type: single nucleotide variant.
Coding change: c.2747C>T on transcript NM_173630.4 (MANE Select); coding-DNA position 2747, C replaced by T.
Protein change: p.Ser916Leu; replaces serine 916 with leucine.
Molecular consequence: missense variant.
Genome position (GRCh38, 1-based): chr18:70,139,640, G>A on the plus strand (C>T on the coding strand, the complement: RTTN is on the minus strand). VCF-style: chr18-70139640-G-A. GRCh37 (hg19) VCF-style: chr18-67806876-G-A.
Other names: c.11C>T, p.Ser4Leu (NM_001318520.2); short protein forms S916L, S4L.
Identifiers: ClinVar variation 451409 (VCV000451409.6), dbSNP rs769752754, ClinGen allele CA301919714.
Genomic context (GRCh38, chr18:70,139,640, plus strand): 5'-CAGATTTTCTTTTATTTACCTCTGAATAACACGGTCAAAAGAGAAGACTGTTGCGAGAGC[G>A]AAACACGCATGACTGGATCACCACATAAAACCTTCCTCAAGAGTGTGAGGCATGGTTGTA-3'
Protein context (NP_775901.3, residues 906-926): VLCGDPVMRV[Ser916Leu]LSQQSSLLTV

ClinVar aggregate classification (germline): Uncertain significance. Review status: criteria provided, multiple submitters, no conflicts (2 of 4 stars). 3 submissions from 3 submitters: Uncertain significance (3). Last evaluated 2024-07-10.

Conditions:
Inborn genetic diseases. Identifiers: MedGen C0950123, MeSH D030342.

Allele frequency attached by ClinVar (database versions not stated): gnomAD 0.00001; gnomAD exomes 0.00002 and 0.00003; TOPMed 0.00005.
gnomAD v4.1: 41 of 1,613,026 alleles (0.0025%); highest among the groups gnomAD compares: Admixed American, 0.017%; no homozygotes.

Submissions (3):

Ambry Genetics
Classification: Uncertain significance for Inborn genetic diseases. Last evaluated: 2024-07-10. Review status: criteria provided, single submitter. Criteria: Ambry Variant Classification Scheme 2023. Collection method: clinical testing. Allele origin: germline.

Labcorp Genetics (formerly Invitae), Labcorp
Classification: Uncertain significance. Last evaluated: 2023-08-17. Review status: criteria provided, single submitter. Criteria: Invitae Variant Classification Sherloc (09022015). Collection method: clinical testing. Allele origin: germline.
Comment: This variant has not been reported in the literature in individuals affected with RTTN-related conditions. This sequence change replaces serine, which is neutral and polar, with leucine, which is neutral and non-polar, at codon 916 of the RTTN protein (p.Ser916Leu). This variant is present in population databases (rs769752754, gnomAD 0.01%). ClinVar contains an entry for this variant (Variation ID: 451409). In summary, the available evidence is currently insufficient to determine the role of this variant in disease. Therefore, it has been classified as a Variant of Uncertain Significance. Advanced modeling of protein sequence and biophysical properties (such as structural, functional, and spatial information, amino acid conservation, physicochemical variation, residue mobility, and thermodynamic stability) performed at Invitae indicates that this missense variant is not expected to disrupt RTTN protein function.

GeneDx
Classification: Uncertain significance. Last evaluated: 2017-08-11. Review status: criteria provided, single submitter. Criteria: GeneDx Variant Classification (06012015). Collection method: clinical testing. Allele origin: germline. Affected: yes.
Comment: A variant of uncertain significance has been identified in the RTTN gene. The S916L variant has notbeen published as a pathogenic variant, nor has it been reported as a benign variant to our knowledge.The S916L variant is not observed in large population cohorts (Lek et al., 2016; 1000 GenomesConsortium et al., 2015; Exome Variant Server). The S916L variant is a non-conservative amino acidsubstitution, which is likely to impact secondary protein structure as these residues differ in polarity,charge, size and/or other properties. This substitution occurs at a position that is conserved acrossspecies. In silico analysis predicts this variant is probably damaging to the protein structure/function.Based on the currently available information, it is unclear whether this variant is a pathogenic variantor a rare benign variant.